The following is an entry in ClinVar:

ClinVar aggregate classification (germline): Uncertain significance (1 of 4 stars; one submission).

Conditions:
Hereditary cancer-predisposing syndrome. Also called: Neoplastic Syndromes, Hereditary; Hereditary Cancer Syndrome; Tumor predisposition; Hereditary neoplastic syndrome. Identifiers: Orphanet 140162, MedGen C0027672, MeSH D009386, MONDO:0015356.

Submission:

Ambry Genetics
Classification: Uncertain significance for Hereditary cancer-predisposing syndrome. Last evaluated: 2023-02-19. Review status: criteria provided, single submitter. Criteria: Ambry Variant Classification Scheme 2023. Collection method: clinical testing. Allele origin: germline.
Comment: The p.I1362M variant (also known as c.4086C>G), located in coding exon 32 of the POLE gene, results from a C to G substitution at nucleotide position 4086. The isoleucine at codon 1362 is replaced by methionine, an amino acid with highly similar properties. This amino acid position is conserved. In addition, this alteration is predicted to be tolerated by in silico analysis. Since supporting evidence is limited at this time, the clinical significance of this alteration remains unclear.

NM_006231.4(POLE):c.4086C>G (p.Ile1362Met)

Gene: POLE (DNA polymerase epsilon, catalytic subunit; minus strand). Cytogenetic location: 12q24.33.
Variant type: single nucleotide variant.
Coding change: c.4086C>G on transcript NM_006231.4 (MANE Select); coding-DNA position 4086, C replaced by G.
Protein change: p.Ile1362Met; replaces isoleucine 1362 with methionine.
Molecular consequence: missense variant.
Genome position (GRCh38, 1-based): chr12:132,648,992, G>C on the plus strand (C>G on the coding strand, the complement: POLE is on the minus strand). VCF-style: chr12-132648992-G-C. GRCh37 (hg19) VCF-style: chr12-133225578-G-C.
Other names: short protein forms I1362M.
Identifiers: ClinVar variation 2447949 (VCV002447949.2), dbSNP rs2138597821, ClinGen allele CA387383769.